The following is an entry in ClinVar:

NM_001386298.1(CIC):c.3962C>T (p.Ala1321Val)

Gene: CIC (capicua transcriptional repressor; plus strand). Cytogenetic location: 19q13.2.
Variant type: single nucleotide variant.
Coding change: c.3962C>T on transcript NM_001386298.1 (MANE Select); coding-DNA position 3962, C replaced by T.
Protein change: p.Ala1321Val; replaces alanine 1321 with valine.
Molecular consequence: missense variant.
Genome position (GRCh38, 1-based): chr19:42,289,281, C>T. VCF-style: chr19-42289281-C-T. GRCh37 (hg19) VCF-style: chr19-42793433-C-T.
Other names: c.3962C>T, p.Ala1321Val (NM_001304815.2, NM_001379480.1, NM_001379482.1 and 1 more transcripts); c.1235C>T, p.Ala412Val (NM_001379484.1, NM_001379485.1, NM_015125.5); short protein forms A1321V, A412V.
Identifiers: ClinVar variation 3058142 (VCV003058142.2), dbSNP rs147328280, ClinGen allele CA9471937.
Genomic context (GRCh38, chr19:42,289,281, plus strand): 5'-CTACCCAGTATGGAGCTCCAGGACCCTTTGCAGCCCCTGGTGAGGGAGGTGCCTTGGCGG[C>T]CACTGGGCGGCCCCCGCTGCTGCCCACCCGAGCTTCTCGTTCTCAGCGTGCGGCCAGTGA-3'
Protein context (NP_001373227.1, residues 1311-1331): AAPGEGGALA[Ala1321Val]TGRPPLLPTR

ClinVar aggregate classification (germline): Likely benign (0 of 4 stars; one submission).

Conditions:
CIC-related disorder. Also called: CIC-related condition.

Allele frequency attached by ClinVar (database versions not stated): gnomAD exomes 0.00003; ExAC 0.00015; 1000 Genomes Project 30x 0.00016; 1000 Genomes Project 0.00020; gnomAD 0.00036; TOPMed 0.00046; ESP Exome Variant Server 0.00062.
gnomAD v4.1: 98 of 1,613,852 alleles (0.0061%); highest among the groups gnomAD compares: African/African-American, 0.12%; no homozygotes.

Submission:

PreventionGenetics, part of Exact Sciences
Classification: Likely benign for CIC-related condition. Last evaluated: 2023-09-15. Review status: no assertion criteria provided. Collection method: clinical testing. Allele origin: germline.
Comment: This variant is classified as likely benign based on ACMG/AMP sequence variant interpretation guidelines (Richards et al. 2015 PMID: 25741868, with internal and published modifications).